The following is an entry in ClinVar:

NM_001330260.2(SCN8A):c.4184A>G (p.Asn1395Ser)

Gene: SCN8A (sodium voltage-gated channel alpha subunit 8; plus strand). Cytogenetic location: 12q13.13.
Variant type: single nucleotide variant.
Coding change: c.4184A>G on transcript NM_001330260.2 (MANE Select); coding-DNA position 4184, A replaced by G.
Protein change: p.Asn1395Ser; replaces asparagine 1395 with serine.
Molecular consequence: missense variant.
Genome position (GRCh38, 1-based): chr12:51,786,783, A>G. VCF-style: chr12-51786783-A-G. GRCh37 (hg19) VCF-style: chr12-52180567-A-G.
Other names: c.4061A>G, p.Asn1354Ser (NM_001369788.1, NM_001177984.3); c.4184A>G, p.Asn1395Ser (NM_014191.4); short protein forms N1354S, N1395S.
Identifiers: ClinVar variation 4278917 (VCV004278917.1).

ClinVar aggregate classification (germline): Uncertain significance (1 of 4 stars; one submission).

Submission:

GeneDx
Classification: Uncertain significance. Last evaluated: 2025-04-03. Review status: criteria provided, single submitter. Criteria: GeneDx Variant Classification Process June 2021. Collection method: clinical testing. Allele origin: germline. Affected: yes.
Comment: Not observed at significant frequency in large population cohorts (gnomAD); In silico analysis supports that this missense variant has a deleterious effect on protein structure/function; Has not been previously published as pathogenic or benign to our knowledge; This substitution is predicted to be within the extracellular loop between the S5 and S6 transmembrane segments of the third homologous domain